The following is an entry in ClinVar:

NM_001111125.3(IQSEC2):c.814A>G (p.Ser272Gly)

Gene: IQSEC2 (IQ motif and Sec7 domain ArfGEF 2; minus strand). Cytogenetic location: Xp11.22.
Variant type: single nucleotide variant.
Coding change: c.814A>G on transcript NM_001111125.3 (MANE Select); coding-DNA position 814, A replaced by G.
Protein change: p.Ser272Gly; replaces serine 272 with glycine.
Molecular consequence: missense variant.
Genome position (GRCh38, 1-based): chrX:53,255,985, T>C on the plus strand (A>G on the coding strand, the complement: IQSEC2 is on the minus strand). VCF-style: chrX-53255985-T-C. GRCh37 (hg19) VCF-style: chrX-53285167-T-C.
Other names: c.814A>G, p.Ser272Gly (NM_001410736.1, NM_001441092.1); c.316A>G, p.Ser106Gly (NM_001441093.1); c.103A>G, p.Ser35Gly (NM_001441094.1, NM_001441095.1); c.199A>G, p.Ser67Gly (NM_015075.2); short protein forms S106G, S272G, S35G, S67G.
Identifiers: ClinVar variation 4797041 (VCV004797041.1).

ClinVar aggregate classification (germline): Uncertain significance (1 of 4 stars; one submission).

Conditions:
Intellectual developmental disorder, X-linked 1. Also called: Atkin Flaitz Patil Smith syndrome; MENTAL RETARDATION, X-LINKED 18; MENTAL RETARDATION, X-LINKED 78; Intellectual disability, X-linked 1. Identifiers: Orphanet 777, MedGen C2931498, MONDO:0010656, OMIM 309530.

gnomAD v4.1: 8 of 1,189,516 alleles (0.00067%); highest among the groups gnomAD compares: Non-Finnish European, 0.00091%; no homozygotes.

Submission:

Labcorp Genetics (formerly Invitae), Labcorp
Classification: Uncertain significance for Intellectual developmental disorder, X-linked 1. Last evaluated: 2025-12-09. Review status: criteria provided, single submitter. Criteria: Invitae Variant Classification Sherloc (09022015). Collection method: clinical testing. Allele origin: germline.
Comment: This sequence change replaces serine, which is neutral and polar, with glycine, which is neutral and non-polar, at codon 272 of the IQSEC2 protein (p.Ser272Gly). This variant is present in population databases (rs782010142, gnomAD 0.002%). This variant has not been reported in the literature in individuals affected with IQSEC2-related conditions. Invitae Evidence Modeling of protein sequence and biophysical properties (such as structural, functional, and spatial information, amino acid conservation, physicochemical variation, residue mobility, and thermodynamic stability) indicates that this missense variant is not expected to disrupt IQSEC2 protein function with a negative predictive value of 95%. In summary, the available evidence is currently insufficient to determine the role of this variant in disease. Therefore, it has been classified as a Variant of Uncertain Significance.